The following is an entry in ClinVar:

ClinVar aggregate classification (germline): Uncertain significance (1 of 4 stars; one submission).

Allele frequency attached by ClinVar (database versions not stated): gnomAD exomes below 0.00001.
gnomAD v4.1: 2 of 1,553,840 alleles (0.00013%); highest among the groups gnomAD compares: Non-Finnish European, 0.000087%; no homozygotes.

Submission:

Labcorp Genetics (formerly Invitae), Labcorp
Classification: Uncertain significance. Last evaluated: 2023-07-10. Review status: criteria provided, single submitter. Criteria: Invitae Variant Classification Sherloc (09022015). Collection method: clinical testing. Allele origin: germline.
Comment: ClinVar contains an entry for this variant (Variation ID: 1986078). This sequence change replaces phenylalanine, which is neutral and non-polar, with cysteine, which is neutral and slightly polar, at codon 68 of the LONP1 protein (p.Phe68Cys). This variant is not present in population databases (gnomAD no frequency). This variant has not been reported in the literature in individuals affected with LONP1-related conditions. An algorithm developed to predict the effect of missense changes on protein structure and function (PolyPhen-2) suggests that this variant is likely to be tolerated. In summary, the available evidence is currently insufficient to determine the role of this variant in disease. Therefore, it has been classified as a Variant of Uncertain Significance.

NM_004793.4(LONP1):c.203T>G (p.Phe68Cys)

Gene: LONP1 (lon peptidase 1, mitochondrial; minus strand). Cytogenetic location: 19p13.3.
Variant type: single nucleotide variant.
Coding change: c.203T>G on transcript NM_004793.4 (MANE Select); coding-DNA position 203, T replaced by G.
Protein change: p.Phe68Cys; replaces phenylalanine 68 with cysteine.
Molecular consequence: missense variant. On other transcripts: intron variant (2).
Genome position (GRCh38, 1-based): chr19:5,719,930, A>C on the plus strand (T>G on the coding strand, the complement: LONP1 is on the minus strand). VCF-style: chr19-5719930-A-C. GRCh37 (hg19) VCF-style: chr19-5719941-A-C.
Other names: c.-160+289T>G (NM_001276480.1); c.124+79T>G (NM_001276479.2); short protein forms F68C.
Identifiers: ClinVar variation 1986078 (VCV001986078.4), dbSNP rs2512443026, ClinGen allele CA403543965.